The following is an entry in ClinVar:

NM_177972.3(TUB):c.492C>A (p.Asp164Glu)

Genes: RIC3 (RIC3 acetylcholine receptor chaperone; minus strand), TUB (TUB bipartite transcription factor; plus strand). Cytogenetic location: 11p15.4.
Variant type: single nucleotide variant.
Coding change: c.492C>A on transcript NM_177972.3 (MANE Select); coding-DNA position 492, C replaced by A.
Protein change: p.Asp164Glu; replaces aspartic acid 164 with glutamic acid.
Molecular consequence: missense variant.
Genome position (GRCh38, 1-based): chr11:8,095,592, C>A. VCF-style: chr11-8095592-C-A. GRCh37 (hg19) VCF-style: chr11-8117139-C-A.
Other names: c.657C>A, p.Asp219Glu (NM_003320.5); short protein forms D164E, D219E.
Identifiers: ClinVar variation 2629326 (VCV002629326.3), dbSNP rs201857968, ClinGen allele CA5871110.

ClinVar aggregate classification (germline): Uncertain significance. Review status: criteria provided, single submitter (1 of 4 stars). 2 submissions from 2 submitters: Uncertain significance (1). 1 of the submissions does not count toward it. Last evaluated 2024-08-21.

Conditions:
TUB-related disorder. Also called: TUB-related condition.

gnomAD v4.1: 31 of 1,612,894 alleles (0.0019%); highest among the groups gnomAD compares: Non-Finnish European, 0.0025%; no homozygotes.

Submissions (2):

Ambry Genetics
Classification: Uncertain significance. Last evaluated: 2024-08-21. Review status: criteria provided, single submitter. Criteria: Ambry Variant Classification Scheme 2023. Collection method: clinical testing. Allele origin: germline.

PreventionGenetics, part of Exact Sciences
Classification: Uncertain significance for TUB-related condition. Last evaluated: 2024-08-10. Review status: no assertion criteria provided. Collection method: clinical testing. Allele origin: germline. Not counted in ClinVar's aggregate classification.
Comment: The TUB c.657C>A variant is predicted to result in the amino acid substitution p.Asp219Glu. To our knowledge, this variant has not been reported in the literature or in a large population database, indicating this variant is rare. At this time, the clinical significance of this variant is uncertain due to the absence of conclusive functional and genetic evidence.